The following is an entry in ClinVar:

ClinVar aggregate classification (germline): Uncertain significance. Review status: criteria provided, multiple submitters, no conflicts (2 of 4 stars). 2 submissions from 2 submitters: Uncertain significance (2). Last evaluated 2026-06-03.

Conditions:
Inborn genetic diseases. Identifiers: MedGen C0950123, MeSH D030342.

gnomAD v4.1: 4 of 1,604,070 alleles (0.00025%); highest among the groups gnomAD compares: Middle Eastern, 0.022%; no homozygotes.

Submissions (2):

Ambry Genetics
Classification: Uncertain significance for Inborn genetic diseases. Last evaluated: 2026-06-03. Review status: criteria provided, single submitter. Criteria: Ambry Variant Classification Scheme 2023. Collection method: clinical testing. Allele origin: germline.

GeneDx
Classification: Uncertain significance. Last evaluated: 2022-01-03. Review status: criteria provided, single submitter. Criteria: GeneDx Variant Classification Process June 2021. Collection method: clinical testing. Allele origin: germline. Affected: yes.
Comment: Not observed at significant frequency in large population cohorts (gnomAD); In silico analysis supports that this missense variant does not alter protein structure/function; Has not been previously published as pathogenic or benign to our knowledge

NM_001009944.3(PKD1):c.9064G>A (p.Asp3022Asn)

Gene: PKD1 (polycystin 1, transient receptor potential channel interacting; minus strand). Cytogenetic location: 16p13.3.
Variant type: single nucleotide variant.
Coding change: c.9064G>A on transcript NM_001009944.3 (MANE Select); coding-DNA position 9064, G replaced by A.
Protein change: p.Asp3022Asn; replaces aspartic acid 3022 with asparagine.
Molecular consequence: missense variant.
Genome position (GRCh38, 1-based): chr16:2,102,518, C>T on the plus strand (G>A on the coding strand, the complement: PKD1 is on the minus strand). VCF-style: chr16-2102518-C-T. GRCh37 (hg19) VCF-style: chr16-2152519-C-T.
Other names: c.9064G>A, p.Asp3022Asn (NM_000296.4); c.9064G>A (NM_000296.3); short protein forms D3022N.
Identifiers: ClinVar variation 1693462 (VCV001693462.3), dbSNP rs537053308, ClinGen allele CA276775373.